The following is an entry in ClinVar:

NM_004519.4(KCNQ3):c.*3035A>G

Gene: KCNQ3 (potassium voltage-gated channel subfamily Q member 3; minus strand). Cytogenetic location: 8q24.22.
Variant type: single nucleotide variant.
Coding change: c.*3035A>G on transcript NM_004519.4 (MANE Select); 3035 bases downstream of the stop codon, A replaced by G.
Molecular consequence: 3 prime UTR variant.
Genome position (GRCh38, 1-based): chr8:132,126,227, T>C on the plus strand (A>G on the coding strand, the complement: KCNQ3 is on the minus strand). VCF-style: chr8-132126227-T-C. GRCh37 (hg19) VCF-style: chr8-133138474-T-C.
Other names: c.*3035A>G (NM_001204824.2).
Identifiers: ClinVar variation 361833 (VCV000361833.7), dbSNP rs2469627, ClinGen allele CA10624770.

ClinVar aggregate classification (germline): Benign. Review status: criteria provided, multiple submitters, no conflicts (2 of 4 stars). 2 submissions from 2 submitters: Benign (2). Last evaluated 2018-01-13.

Conditions:
Seizures, benign familial neonatal, 2. Also called: CONVULSIONS, BENIGN FAMILIAL NEONATAL, 2; KCNQ3-Related Self-Limited Familial Neonatal Epilepsy (SLFNE); Benign Neonatal Epilepsy 2; KCNQ3-Related Benign Familial Neonatal Epilepsy; Seizures, benign neonatal, 2. Identifiers: Orphanet 1949, MedGen C1852581, MONDO:0007366, OMIM 121201.

Allele frequency attached by ClinVar (database versions not stated): 1000 Genomes Project 0.14317; gnomAD 0.21779 and 0.22054; 1000 Genomes Project 30x 0.14553; TOPMed 0.21086.

Submissions (2):

Illumina Laboratory Services, Illumina
Classification: Benign for Seizures, benign familial neonatal, 2. Last evaluated: 2018-01-13. Review status: criteria provided, single submitter. Criteria: ICSL Variant Classification Criteria 13 December 2019. Collection method: clinical testing. Allele origin: germline.
Comment: This variant was observed in the ICSL laboratory as part of a predisposition screen in an ostensibly healthy population. It had not been previously curated by ICSL or reported in the Human Gene Mutation Database (HGMD: prior to June 1st, 2018), and was therefore a candidate for classification through an automated scoring system. Utilizing variant allele frequency, disease prevalence and penetrance estimates, and inheritance mode, an automated score was calculated to assess if this variant is too frequent to cause the disease. Based on the score and internal cut-off values, a variant classified as benign is not then subjected to further curation. The score for this variant resulted in a classification of benign for this disease.

Breakthrough Genomics
Classification: Benign. Review status: criteria provided, single submitter. Criteria: ACMG Guidelines, 2015. Collection method: not provided. Allele origin: germline. Inheritance: Autosomal dominant inheritance. Affected: yes.